The following is an entry in ClinVar:

ClinVar aggregate classification (germline): Uncertain significance (1 of 4 stars; one submission).

Submission:

Labcorp Genetics (formerly Invitae), Labcorp
Classification: Uncertain significance. Last evaluated: 2022-09-06. Review status: criteria provided, single submitter. Criteria: Invitae Variant Classification Sherloc (09022015). Collection method: clinical testing. Allele origin: germline.
Comment: In summary, the available evidence is currently insufficient to determine the role of this variant in disease. Therefore, it has been classified as a Variant of Uncertain Significance. Algorithms developed to predict the effect of missense changes on protein structure and function (SIFT, PolyPhen-2, Align-GVGD) all suggest that this variant is likely to be disruptive. ClinVar contains an entry for this variant (Variation ID: 1352280). This variant has not been reported in the literature in individuals affected with EXOSC2-related conditions. This variant is not present in population databases (gnomAD no frequency). This sequence change replaces glycine, which is neutral and non-polar, with arginine, which is basic and polar, at codon 217 of the EXOSC2 protein (p.Gly217Arg).

NM_014285.7(EXOSC2):c.649G>A (p.Gly217Arg)

Gene: EXOSC2 (exosome component 2; plus strand). Cytogenetic location: 9q34.12.
Variant type: single nucleotide variant.
Coding change: c.649G>A on transcript NM_014285.7 (MANE Select); coding-DNA position 649, G replaced by A.
Protein change: p.Gly217Arg; replaces glycine 217 with arginine.
Molecular consequence: missense variant. On other transcripts: non-coding transcript variant (1).
Genome position (GRCh38, 1-based): chr9:130,702,287, G>A. VCF-style: chr9-130702287-G-A. GRCh37 (hg19) VCF-style: chr9-133577674-G-A.
Other names: c.571G>A, p.Gly191Arg (NM_001282708.1); c.559G>A, p.Gly187Arg (NM_001282709.1); short protein forms G217R, G187R, G191R.
Identifiers: ClinVar variation 1352280 (VCV001352280.8), dbSNP rs2132642722, ClinGen allele CA375248123.
Genomic context (GRCh38, chr9:130,702,287, plus strand): 5'-CTCGGTAACAACGGCTTCATCTGGATTTACCCAACACCTGAGCACAAAGAAGAGGAAGCA[G>A]GGGGCTTCATTGCAAACCTGGAGGTGAGCAAACACTGTGGCCATTTTCAGTGGGATGGAG-3'
Protein context (NP_055100.2, residues 207-227): PTPEHKEEEA[Gly217Arg]GFIANLEPVS